The following is an entry in ClinVar:

ClinVar aggregate classification (germline): Uncertain significance (1 of 4 stars; one submission).

Conditions:
Emery-Dreifuss muscular dystrophy 5, autosomal dominant (EDMD5). Also called: EMERY-DREIFUSS MUSCULAR DYSTROPHY 5. Identifiers: Orphanet 261, MedGen C2751805, MONDO:0013072, OMIM 612999.

Allele frequency attached by ClinVar (database versions not stated): gnomAD 0.00003; ExAC 0.00004; gnomAD exomes 0.00004 and 0.00002; TOPMed 0.00002.
gnomAD v4.1: 32 of 1,605,372 alleles (0.002%); highest among the groups gnomAD compares: Non-Finnish European, 0.00085%; no homozygotes.

Submission:

Labcorp Genetics (formerly Invitae), Labcorp
Classification: Uncertain significance for Emery-Dreifuss muscular dystrophy 5, autosomal dominant. Last evaluated: 2019-05-08. Review status: criteria provided, single submitter. Criteria: Invitae Variant Classification Sherloc (09022015). Collection method: clinical testing. Allele origin: germline.
Comment: This sequence change falls in intron 94 of the SYNE2 gene. It does not directly change the encoded amino acid sequence of the SYNE2 protein, but it affects a nucleotide within the consensus splice site of the intron. This variant is present in population databases (rs777252251, ExAC 0.007%). This variant has not been reported in the literature in individuals with SYNE2-related disease. Nucleotide substitutions within the consensus splice site are a relatively common cause of aberrant splicing (PMID: 17576681, 9536098). Algorithms developed to predict the effect of sequence changes on RNA splicing suggest that this variant is not likely to affect RNA splicing, but this prediction has not been confirmed by published transcriptional studies. In summary, the available evidence is currently insufficient to determine the role of this variant in disease. Therefore, it has been classified as a Variant of Uncertain Significance.

Literature cited by the submitters: PubMed 17576681; PubMed 9536098.

NM_182914.3(SYNE2):c.17235+5T>C

Gene: SYNE2 (spectrin repeat containing nuclear envelope protein 2; plus strand). Cytogenetic location: 14q23.2.
Variant type: single nucleotide variant.
Coding change: c.17235+5T>C on transcript NM_182914.3 (MANE Select); 5 bases into the intron after coding-DNA position 17235, T replaced by C.
Molecular consequence: intron variant.
Genome position (GRCh38, 1-based): chr14:64,170,467, T>C. VCF-style: chr14-64170467-T-C. GRCh37 (hg19) VCF-style: chr14-64637185-T-C.
Other names: c.17235+5T>C (NM_015180.6).
Identifiers: ClinVar variation 579677 (VCV000579677.10), dbSNP rs777252251, ClinGen allele CA7223627.
Genomic context (GRCh38, chr14:64,170,467, plus strand): 5'-AGGGCCAGGAGCGCTTCAGCCTCTACCAAACCAGAAGTCTGATCCATGAGCTGAAGGTAG[T>C]GTATGCATCGTAGCAGTGTGAGAACCACAGGGTGGTCATTGTTTGCAAGATGTTCATTCA-3'